The following is an entry in ClinVar:

NM_004183.4(BEST1):c.698C>T (p.Pro233Leu)

Gene: BEST1 (bestrophin 1; plus strand). Cytogenetic location: 11q12.3.
Variant type: single nucleotide variant.
Coding change: c.698C>T on transcript NM_004183.4 (MANE Select); coding-DNA position 698, C replaced by T.
Protein change: p.Pro233Leu; replaces proline 233 with leucine.
Molecular consequence: missense variant. On other transcripts: non-coding transcript variant (1).
Genome position (GRCh38, 1-based): chr11:61,957,448, C>T. VCF-style: chr11-61957448-C-T. GRCh37 (hg19) VCF-style: chr11-61724920-C-T.
Other names: c.518C>T, p.Pro173Leu (NM_001139443.3, NM_001300786.2, NM_001300787.2); c.380C>T, p.Pro127Leu (NM_001363591.3); c.698C>T, p.Pro233Leu (NM_001363592.2); c.-478C>T (NM_001363593.3); short protein forms P127L, P233L, P173L.
Identifiers: ClinVar variation 3721044 (VCV003721044.2).

ClinVar aggregate classification (germline): Pathogenic (1 of 4 stars; one submission).

gnomAD v4.1: 1 of 1,614,020 alleles (0.000062%); highest among the groups gnomAD compares: East Asian, 0.0022%; no homozygotes.

Submission:

Labcorp Genetics (formerly Invitae), Labcorp
Classification: Pathogenic. Last evaluated: 2024-05-16. Review status: criteria provided, single submitter. Criteria: Invitae Variant Classification Sherloc (09022015). Collection method: clinical testing. Allele origin: germline.
Comment: This sequence change replaces proline, which is neutral and non-polar, with leucine, which is neutral and non-polar, at codon 233 of the BEST1 protein (p.Pro233Leu). This variant is not present in population databases (gnomAD no frequency). This missense change has been observed in individuals with autosomal dominant Best vitelliform macular dystrophy and/or primary angle‑closure glaucoma (PMID: 21273940, 26310487, 31519547). Advanced modeling of protein sequence and biophysical properties (such as structural, functional, and spatial information, amino acid conservation, physicochemical variation, residue mobility, and thermodynamic stability) performed at Invitae indicates that this missense variant is expected to disrupt BEST1 protein function with a positive predictive value of 95%. For these reasons, this variant has been classified as Pathogenic.

Literature cited by the submitters: PubMed 21273940; PubMed 26310487; PubMed 31519547.